The following is an entry in ClinVar:

NM_000130.5(F5):c.5037dup (p.Ser1680fs)

Gene: F5 (coagulation factor V; minus strand). Cytogenetic location: 1q24.2.
Variant type: Duplication.
Coding change: c.5037dup on transcript NM_000130.5 (MANE Select); coding-DNA position 5037, one base duplicated (A; older notation c.5037dupA).
Protein change: p.Ser1680fs; shifts the reading frame from serine 1680.
Molecular consequence: frameshift variant.
Genome position (GRCh38, 1-based): chr1:169,530,957, T duplicated on the plus strand (A on the coding strand, the reverse complement: F5 is on the minus strand); the first of 5 consecutive T bases (chr1:169,530,957-169,530,961); duplicating any one gives the same sequence. VCF-style (leftmost placement, unchanged base first): chr1-169530956-A-AT. GRCh37 (hg19) VCF-style: chr1-169500194-A-AT.
Other names: c.5037dupA (NM_000130.4); short protein forms S1680fs.
Identifiers: ClinVar variation 430053 (VCV000430053.7), dbSNP rs754982088, ClinGen allele CA1233584.

ClinVar aggregate classification (germline): Pathogenic. Review status: criteria provided, multiple submitters, no conflicts (2 of 4 stars). 3 submissions from 3 submitters: Pathogenic (3). Last evaluated 2025-08-10.

Conditions:
Congenital factor V deficiency. Also called: LABILE FACTOR DEFICIENCY; Hereditary factor V deficiency disease; OWREN PARAHEMOPHILIA; PARAHEMOPHILIA. Identifiers: Orphanet 326, MedGen C0015499, MONDO:0009210, OMIM 227400.
Thrombophilia due to activated protein C resistance (THPH2). Also called: Activated protein C resistance; Hereditary Resistance to Activated Protein C; PCCF DEFICIENCY; PROC COFACTOR DEFICIENCY; THROMBOPHILIA DUE TO DEFICIENCY OF ACTIVATED PROTEIN C COFACTOR; THROMBOPHILIA V. Identifiers: MedGen C1861171, MONDO:0008560, OMIM 188055. Disease mechanism: gain of function, loss of function.
Budd-Chiari syndrome (BDCHS). Also called: Hepatic vein obstruction. Identifiers: Orphanet 131, MedGen C0856761, MONDO:0010947, OMIM 600880, HP:0002639.
Ischemic stroke. Also called: Ischemic stroke, susceptibility to; CEREBROVASCULAR ACCIDENT. Identifiers: MedGen C0948008, MONDO:1060198, OMIM 601367, HP:0002140.
Pregnancy loss, recurrent, susceptibility to, 1 (RPRGL1). Also called: EMBRYONIC LOSS, RECURRENT; MISCARRIAGE, RECURRENT; STILLBIRTH, RECURRENT; FETAL LOSS, RECURRENT, SUSCEPTIBILITY TO. Identifiers: MedGen C3280670, MONDO:0013727, OMIM 614389.

Submissions (3):

Labcorp Genetics (formerly Invitae), Labcorp
Classification: Pathogenic for Congenital factor V deficiency. Last evaluated: 2025-08-10. Review status: criteria provided, single submitter. Criteria: Invitae Variant Classification Sherloc (09022015). Collection method: clinical testing. Allele origin: germline.
Comment: This sequence change creates a premature translational stop signal (p.Ser1680Ilefs*8) in the F5 gene. It is expected to result in an absent or disrupted protein product. Loss-of-function variants in F5 are known to be pathogenic (PMID: 30924984). This variant is present in population databases (rs754982088, gnomAD 0.05%). This premature translational stop signal has been observed in individual(s) with autosomal recessive factor V deficiency (PMID: 12816860). ClinVar contains an entry for this variant (Variation ID: 430053). For these reasons, this variant has been classified as Pathogenic.

Fulgent Genetics
Classification: Pathogenic for Thrombophilia due to activated protein C resistance; Congenital factor V deficiency; Budd-Chiari syndrome; Ischemic stroke; Pregnancy loss, recurrent, susceptibility to, 1. Last evaluated: 2024-01-08. Review status: criteria provided, single submitter. Criteria: ACMG Guidelines, 2015. Collection method: clinical testing. Allele origin: germline.

GeneDx
Classification: Pathogenic. Last evaluated: 2019-08-01. Review status: criteria provided, single submitter. Criteria: GeneDx Variant Classification Process June 2021. Collection method: clinical testing. Allele origin: germline. Affected: yes.
Comment: This variant is associated with the following publications: (PMID: 12816860)

Literature cited by the submitters: PubMed 30924984 (cited by Labcorp Genetics (formerly Invitae), Labcorp); PubMed 12816860 (cited by Labcorp Genetics (formerly Invitae), Labcorp).